The following is an entry in ClinVar:

NM_002225.5(IVD):c.127dup (p.Ser43fs)

Gene: IVD (isovaleryl-CoA dehydrogenase; plus strand). Cytogenetic location: 15q15.1.
Variant type: Duplication.
Coding change: c.127dup on transcript NM_002225.5 (MANE Select); coding-DNA position 127, one base duplicated (A; older notation c.127dupA).
Protein change: p.Ser43fs; shifts the reading frame from serine 43.
Molecular consequence: frameshift variant. On other transcripts: 5 prime UTR variant (1), non-coding transcript variant (1).
Genome position (GRCh38, 1-based): chr15:40,405,954, A duplicated; the last of 2 consecutive A bases (chr15:40,405,953-40,405,954); duplicating either gives the same sequence. VCF-style (leftmost placement, unchanged base first): chr15-40405952-T-TA. GRCh37 (hg19) VCF-style: chr15-40698153-T-TA.
Other names: c.-301dup (NM_001354597.3); c.127dup, p.Ser43fs (NM_001354598.3, NM_001354599.3, NM_001354600.3 and 2 more transcripts); c.136dup (NM_002225.3); short protein forms S43fs.
Identifiers: ClinVar variation 1705327 (VCV001705327.2), dbSNP rs2542620925, ClinGen allele CA2580089350.

ClinVar aggregate classification (germline): Pathogenic/Likely pathogenic. Review status: criteria provided, multiple submitters, no conflicts (2 of 4 stars). 2 submissions from 2 submitters: Pathogenic (1); Likely pathogenic (1). Last evaluated 2025-12-13.

Conditions:
Isovaleryl-CoA dehydrogenase deficiency (IVA). Also called: ISOVALERIC ACID CoA DEHYDROGENASE DEFICIENCY; Classic Isovaleric Acidemia; Isovaleric acidemia; IVD DEFICIENCY. Identifiers: Orphanet 33, MedGen C0268575, MONDO:0009475, OMIM 243500.

Submissions (2):

Natera, Inc.
Classification: Likely pathogenic for Isovaleryl-coa dehydrogenase deficiency. Last evaluated: 2025-12-13. Review status: criteria provided, single submitter. Criteria: Natera Variant Classification Schema (03/2026). Collection method: clinical testing. Allele origin: germline.
Comment: The c.136dup variant in IVD is a frameshift variant predicted to shift the reading frame beginning at codon 46 and leads to a stop codon 13 codons downstream. This variant is expected to result in nonsense mediated decay, truncation, or a dysfunctional protein product. This variant is rare in the general population with a frequency below the threshold expected for the associated phenotype(s). Given the available evidence, this variant is classified as Likely Pathogenic.

3billion
Classification: Pathogenic for Isovaleryl-CoA dehydrogenase deficiency. Last evaluated: 2022-09-01. Review status: criteria provided, single submitter. Criteria: ACMG Guidelines, 2015. Collection method: clinical testing. Allele origin: germline. Affected: yes. Observed: 1 homozygote.
Comment: The variant is not observed in the gnomAD v2.1.1 dataset. Frameshift variant is predicted to result in a loss or disruption of normal protein function through nonsense-mediated decay (NMD) or protein truncation. Multiple pathogenic variants are reported downstream of the variant. Therefore, this variant is classified as Pathogenic according to the recommendation of ACMG/AMP guideline.